The following is an entry in ClinVar:

NM_015047.3(EMC1):c.2404C>T (p.Arg802Cys)

Genes: EMC1 (ER membrane protein complex subunit 1; minus strand), EMC1-AS1 (EMC1 antisense RNA 1; plus strand). Cytogenetic location: 1p36.13.
Variant type: single nucleotide variant.
Coding change: c.2404C>T on transcript NM_015047.3 (MANE Select); coding-DNA position 2404, C replaced by T.
Protein change: p.Arg802Cys; replaces arginine 802 with cysteine.
Molecular consequence: missense variant.
Genome position (GRCh38, 1-based): chr1:19,222,807, G>A on the plus strand (C>T on the coding strand, the complement: EMC1 is on the minus strand). VCF-style: chr1-19222807-G-A. GRCh37 (hg19) VCF-style: chr1-19549301-G-A.
Other names: c.2404C>T (NM_015047.1); c.2401C>T, p.Arg801Cys (NM_001271427.2, NM_001271428.2); c.2338C>T, p.Arg780Cys (NM_001271429.2); c.2413C>T, p.Arg805Cys (NM_001375820.1); c.2410C>T, p.Arg804Cys (NM_001375821.1); short protein forms R780C, R801C, R802C, R804C, R805C.
Identifiers: ClinVar variation 1345905 (VCV001345905.8), dbSNP rs372151221, ClinGen allele CA652284.
Genomic context (GRCh38, chr1:19,222,807, plus strand): 5'-AGGCGGTGGCGTTGTATTGCTCAGTGCCCTCATAGAGCTCCAGTACGGTAAACTCGTTGC[G>A]CCGAGCCTTGGTGTTCCAGTACTGGTACTGCAGGGATAGGAGGTGGCAGCTCAGGGCTTA-3'
Protein context (NP_055862.1, residues 792-812): VYQYWNTKAR[Arg802Cys]NEFTVLELYE

ClinVar aggregate classification (germline): Uncertain significance. Review status: criteria provided, multiple submitters, no conflicts (2 of 4 stars). 3 submissions from 3 submitters: Uncertain significance (3). Last evaluated 2025-12-21.

Conditions:
Inborn genetic diseases. Identifiers: MedGen C0950123, MeSH D030342.
Retinal dystrophy. Also called: Inherited retinal dystrophy. Identifiers: Orphanet 71862, MedGen C0854723, MeSH D058499, MONDO:0019118, HP:0000556.

Allele frequency attached by ClinVar (database versions not stated): gnomAD exomes 0.00002 and 0.00006; gnomAD 0.00005 and 0.00006; TOPMed 0.00006; ExAC 0.00007; ESP Exome Variant Server 0.00008.

Submissions (3):

Labcorp Genetics (formerly Invitae), Labcorp
Classification: Uncertain significance. Last evaluated: 2025-12-21. Review status: criteria provided, single submitter. Criteria: Invitae Variant Classification Sherloc (09022015). Collection method: clinical testing. Allele origin: germline.
Comment: This sequence change replaces arginine, which is basic and polar, with cysteine, which is neutral and slightly polar, at codon 802 of the EMC1 protein (p.Arg802Cys). This variant is present in population databases (rs372151221, gnomAD 0.06%). This variant has not been reported in the literature in individuals affected with EMC1-related conditions. ClinVar contains an entry for this variant (Variation ID: 1345905). Invitae Evidence Modeling of protein sequence and biophysical properties (such as structural, functional, and spatial information, amino acid conservation, physicochemical variation, residue mobility, and thermodynamic stability) indicates that this missense variant is expected to disrupt EMC1 protein function with a positive predictive value of 80%. In summary, the available evidence is currently insufficient to determine the role of this variant in disease. Therefore, it has been classified as a Variant of Uncertain Significance.

Ambry Genetics
Classification: Uncertain significance for Inborn genetic diseases. Last evaluated: 2024-06-22. Review status: criteria provided, single submitter. Criteria: Ambry Variant Classification Scheme 2023. Collection method: clinical testing. Allele origin: germline.

Dept Of Ophthalmology, Nagoya University
Classification: Uncertain significance for Retinal dystrophy. Last evaluated: 2023-10-01. Review status: criteria provided, single submitter. Criteria: Submitter's publication. Collection method: research. Allele origin: germline. Affected: yes.